The following is an entry in ClinVar:

NM_001151.4(SLC25A4):c.567T>C (p.Ala189=)

Gene: SLC25A4 (solute carrier family 25 member 4; plus strand). Cytogenetic location: 4q35.1.
Variant type: single nucleotide variant.
Coding change: c.567T>C on transcript NM_001151.4 (MANE Select); coding-DNA position 567, T replaced by C.
Protein change: p.Ala189=; no amino-acid change (alanine 189 retained).
Molecular consequence: synonymous variant.
Genome position (GRCh38, 1-based): chr4:185,145,219, T>C. VCF-style: chr4-185145219-T-C. GRCh37 (hg19) VCF-style: chr4-186066373-T-C.
Other names: p.A189A:GCT>GCC.
Identifiers: ClinVar variation 215170 (VCV000215170.86), dbSNP rs149101873, ClinGen allele CA324722.

ClinVar aggregate classification (germline): Benign. Review status: criteria provided, multiple submitters, no conflicts (2 of 4 stars). 10 submissions from 10 submitters: Benign (9). 1 of the submissions does not count toward it. Last evaluated 2026-09-01.

Conditions:
Progressive external ophthalmoplegia with mitochondrial DNA deletions, autosomal dominant 2. Also called: PROGRESSIVE EXTERNAL OPHTHALMOPLEGIA, AUTOSOMAL DOMINANT 2. Identifiers: MedGen C1836460, MONDO:0012238, OMIM 609283.

Allele frequency attached by ClinVar (database versions not stated): 1000 Genomes Project 30x 0.00219; 1000 Genomes Project 0.00240; TOPMed 0.00668; ESP Exome Variant Server 0.00784; ExAC 0.00861; gnomAD exomes 0.00887 and 0.01095; gnomAD 0.00897 and 0.00911.
gnomAD v4.1: 17,210 of 1,614,068 alleles (1.1%); highest among the groups gnomAD compares: Non-Finnish European, 1.2%; 118 homozygotes.

Submissions (10):

CeGaT Center for Human Genetics Tuebingen
Classification: Benign. Last evaluated: 2026-09-01. Review status: criteria provided, single submitter. Criteria: CeGaT Center For Human Genetics Tuebingen Variant Classification Criteria Version 2. Collection method: clinical testing. Allele origin: germline. Affected: yes. Observed: 55 variant alleles.
Comment: SLC25A4: BP4, BP7, BS1, BS2

Labcorp Genetics (formerly Invitae), Labcorp
Classification: Benign. Last evaluated: 2026-02-02. Review status: criteria provided, single submitter. Criteria: Invitae Variant Classification Sherloc (09022015). Collection method: clinical testing. Allele origin: germline.

Blueprint Genetics
Classification: Benign. Last evaluated: 2024-11-26. Review status: criteria provided, single submitter. Criteria: ACMG Guidelines, 2015. Collection method: clinical testing. Allele origin: germline.

ARUP Laboratories, Molecular Genetics and Genomics, ARUP Laboratories
Classification: Benign. Last evaluated: 2023-11-03. Review status: criteria provided, single submitter. Criteria: ARUP Molecular Germline Variant Investigation Process 2024. Collection method: clinical testing. Allele origin: germline.

Women's Health and Genetics/Laboratory Corporation of America, LabCorp
Classification: Benign. Last evaluated: 2023-07-30. Review status: criteria provided, single submitter. Criteria: LabCorp Variant Classification Summary - May 2015. Collection method: clinical testing. Allele origin: germline.

Athena Diagnostics
Classification: Benign. Last evaluated: 2020-01-08. Review status: criteria provided, single submitter. Criteria: Athena Diagnostics Criteria. Collection method: clinical testing. Allele origin: unknown.

Illumina Laboratory Services, Illumina
Classification: Benign for Progressive external ophthalmoplegia with mitochondrial DNA deletions, autosomal dominant 2. Last evaluated: 2018-01-12. Review status: criteria provided, single submitter. Criteria: ICSL Variant Classification Criteria 13 December 2019. Collection method: clinical testing. Allele origin: germline.
Comment: This variant was observed in the ICSL laboratory as part of a predisposition screen in an ostensibly healthy population. It had not been previously curated by ICSL or reported in the Human Gene Mutation Database (HGMD: prior to June 1st, 2018), and was therefore a candidate for classification through an automated scoring system. Utilizing variant allele frequency, disease prevalence and penetrance estimates, and inheritance mode, an automated score was calculated to assess if this variant is too frequent to cause the disease. Based on the score and internal cut-off values, a variant classified as benign is not then subjected to further curation. The score for this variant resulted in a classification of benign for this disease.

GeneDx
Classification: Benign. Last evaluated: 2012-03-06. Review status: criteria provided, single submitter. Criteria: GeneDx Variant Classification (06012015). Collection method: clinical testing. Allele origin: germline. Affected: yes.
Comment: This variant is considered likely benign or benign based on one or more of the following criteria: it is a conservative change, it occurs at a poorly conserved position in the protein, it is predicted to be benign by multiple in silico algorithms, and/or has population frequency not consistent with disease.

Breakthrough Genomics
Classification: Benign. Review status: criteria provided, single submitter. Criteria: ACMG Guidelines, 2015. Collection method: not provided. Allele origin: germline. Inheritance: Autosomal recessive inheritance. Affected: yes.

Mayo Clinic Laboratories, Mayo Clinic
Classification: Likely benign. Last evaluated: 2017-10-12. Review status: no assertion criteria provided. Collection method: clinical testing. Allele origin: unknown. Not counted in ClinVar's aggregate classification.